The following is an entry in ClinVar:

NM_138576.4(BCL11B):c.591G>A (p.Gln197=)

Gene: BCL11B (BCL11 transcription factor B; minus strand). Cytogenetic location: 14q32.2.
Variant type: single nucleotide variant.
Coding change: c.591G>A on transcript NM_138576.4 (MANE Select); coding-DNA position 591, G replaced by A.
Protein change: p.Gln197=; no amino-acid change (glutamine 197 retained).
Molecular consequence: synonymous variant. On other transcripts: intron variant (2).
Genome position (GRCh38, 1-based): chr14:99,231,394, C>T on the plus strand (G>A on the coding strand, the complement: BCL11B is on the minus strand). VCF-style: chr14-99231394-C-T. GRCh37 (hg19) VCF-style: chr14-99697731-C-T.
Other names: c.588G>A, p.Gln196= (NM_001282237.2); c.424+26077G>A (NM_001282238.2); c.427+26077G>A (NM_022898.3).
Identifiers: ClinVar variation 4804498 (VCV004804498.1).
Genomic context (GRCh38, chr14:99,231,394, plus strand): 5'-TCGTCTGTTACCTGACAACTGACACTGGCATCCAAAGGGAGCCTCCGTCTGACCCTCACC[C>T]TGAGTCCCGTCACCCGAGACCGGGCGCGCGCTGCAGCACGGCAGGGGGAGGCAGGGCGGG-3'
Protein context (NP_612808.1, residues 187-207): SARPVSGDGT[Gln197=]GEGQTEAPFG

ClinVar aggregate classification (germline): Uncertain significance (1 of 4 stars; one submission).

Submission:

Labcorp Genetics (formerly Invitae), Labcorp
Classification: Uncertain significance. Last evaluated: 2025-06-24. Review status: criteria provided, single submitter. Criteria: Invitae Variant Classification Sherloc (09022015). Collection method: clinical testing. Allele origin: germline.
Comment: This sequence change affects codon 197 of the BCL11B mRNA. It is a 'silent' change, meaning that it does not change the encoded amino acid sequence of the BCL11B protein. This variant is not present in population databases (gnomAD no frequency). This variant has not been reported in the literature in individuals affected with BCL11B-related conditions. Algorithms developed to predict the effect of sequence changes on RNA splicing suggest that this variant may create or strengthen a splice site. In summary, the available evidence is currently insufficient to determine the role of this variant in disease. Therefore, it has been classified as a Variant of Uncertain Significance.